The following is an entry in ClinVar:

ClinVar aggregate classification (germline): Pathogenic. Review status: criteria provided, multiple submitters, no conflicts (2 of 4 stars). 7 submissions from 7 submitters: Pathogenic (7). Last evaluated 2026-04-29.

Conditions:
Polycystic kidney disease 4 (PKD4). Also called: POLYCYSTIC KIDNEY DISEASE 4 WITH OR WITHOUT POLYCYSTIC LIVER DISEASE; POLYCYSTIC KIDNEY AND HEPATIC DISEASE 1; POLYCYSTIC KIDNEY DISEASE, INFANTILE, TYPE I; PKD3; Autosomal Recessive Polycystic Kidney Disease – PKHD1. Identifiers: MedGen C4540575, MONDO:0033004, OMIM 263200.
PKHD1-related disorder. Also called: PKHD1-related condition.
Autosomal recessive polycystic kidney disease (ARPKD). Also called: AR polycystic kidney disease. Identifiers: Orphanet 731, Orphanet 8378, MedGen C0085548, MeSH D017044, MONDO:0009889.

Allele frequency attached by ClinVar (database versions not stated): gnomAD exomes below 0.00001.
gnomAD v4.1: 2 of 1,594,466 alleles (0.00013%); highest among the groups gnomAD compares: East Asian, 0.0045%; no homozygotes.

Submissions (7):

Department of Precision Medicine, Korea National Institute of Health
Classification: Pathogenic for Polycystic kidney disease 4. Last evaluated: 2026-04-29. Review status: criteria provided, single submitter. Criteria: ACMG Guidelines, 2015. Collection method: research. Allele origin: maternal. Affected: yes. Observed: 1 variant allele, 1 compound heterozygote.
Comment: PVS1 (Null variant (nonsense) in gene PKHD1, predicted to cause NMD), PP5 (ClinVar classifies this variant as Pathogenic, LOVD classifies this variant as Pathogenic), PM2 (Variant not found in gnomAD)

3billion
Classification: Pathogenic for Polycystic kidney disease 4. Last evaluated: 2026-01-21. Review status: criteria provided, single submitter. Criteria: ACMG Guidelines, 2015. Collection method: clinical testing. Allele origin: germline. Affected: yes.
Comment: The variant is observed at an extremely low frequency in the gnomAD v4.1.0 dataset (total allele frequency: <0.001%). Predicted Consequence/Location: Stop-gained (nonsense): predicted to result in a loss or disruption of normal protein function through nonsense-mediated decay (NMD) or protein truncation. Multiple pathogenic variants are reported downstream of the variant. The variant has been reported at least twice as pathogenic with clinical assertions and evidence for the classification (ClinVar ID: VCV000939818 /PMID: 31938409 /3billion dataset). Therefore, this variant is classified as Pathogenic according to the recommendation of ACMG/AMP guideline.

Natera, Inc.
Classification: Pathogenic for Autosomal recessive polycystic kidney disease. Last evaluated: 2025-10-30. Review status: criteria provided, single submitter. Criteria: Natera Variant Classification Schema (03/2026). Collection method: clinical testing. Allele origin: germline.
Comment: The c.6840G>A variant in PKHD1 is a nonsense variant predicted to introduce a stop codon at amino acid 2280. This variant is expected to result in nonsense mediated decay, truncation, or a dysfunctional protein product. This variant is rare in the general population with a frequency below the threshold expected for the associated phenotype(s). This variant has been observed in one or more individuals affected with the associated recessive disease, as either homozygous or compound heterozygous with a second variant (PMID: 34536170). Given the available evidence, this variant is classified as Pathogenic.

PreventionGenetics, part of Exact Sciences
Classification: Pathogenic for PKHD1-related condition. Last evaluated: 2025-01-31. Review status: criteria provided, single submitter. Criteria: ACMG Guidelines, 2015. Collection method: clinical testing. Allele origin: germline.
Comment: The PKHD1 c.6840G>A variant is predicted to result in premature protein termination (p.Trp2280*). This variant has been reported with other pathogenic PKHD1 variants in individuals with autosomal recessive polycystic kidney disease (ARPKD) (see for example, Jung et al. 2020. PubMed ID: 32384486; Ishiko et al. 2021. PubMed ID: 34536170). This variant has not been reported in a large population database (gnomAD), indicating this variant is rare. Nonsense variants in PKHD1 are expected to be pathogenic. This variant is interpreted as pathogenic.

Baylor Genetics
Classification: Pathogenic for Polycystic kidney disease 4. Last evaluated: 2023-08-15. Review status: criteria provided, single submitter. Criteria: ACMG Guidelines, 2015. Collection method: clinical testing. Allele origin: unknown.

Neuberg Centre For Genomic Medicine, NCGM
Classification: Pathogenic for Polycystic kidney disease 4. Last evaluated: 2023-02-14. Review status: criteria provided, single submitter. Criteria: ACMG Guidelines, 2015. Collection method: clinical testing. Allele origin: germline. Inheritance: Autosomal recessive inheritance. Affected: yes.
Comment: The stop lost c.6840G>A(p.Trp2280Ter) variant in PKHD1 gene has been reported previously in heterozygous and compound heterozygous state in patients affected with Polycystic kidney disease (Hou L, et. al., 2018). The c.6840G>A variant is novel (not in any individuals) in gnomAD Exomes and 1000 Genomes. This variant has been reported to the ClinVar database as Pathogenic (multiple submissions). The nucleotide change c.6840G>A in PKHD1 is predicted as conserved by GERP++ and PhyloP across 100 vertebrates. This variant is predicted to cause loss of normal protein function through protein truncation. Loss of function variants have been previously reported to be disease causing. Additional functional studies are required to prove pathogenicity of the variant. For these reasons, this variant has been classified as Pathogenic.

Labcorp Genetics (formerly Invitae), Labcorp
Classification: Pathogenic for Autosomal recessive polycystic kidney disease. Last evaluated: 2022-10-19. Review status: criteria provided, single submitter. Criteria: Invitae Variant Classification Sherloc (09022015). Collection method: clinical testing. Allele origin: germline.
Comment: This variant has not been reported in the literature in individuals affected with PKHD1-related conditions. For these reasons, this variant has been classified as Pathogenic. ClinVar contains an entry for this variant (Variation ID: 939818). This variant is not present in population databases (gnomAD no frequency). This sequence change creates a premature translational stop signal (p.Trp2280*) in the PKHD1 gene. It is expected to result in an absent or disrupted protein product. Loss-of-function variants in PKHD1 are known to be pathogenic (PMID: 19940839).

Literature cited by the submitters: PubMed 31938409 (cited by 3billion); PubMed 34536170 (cited by Natera, Inc.); PubMed 19940839 (cited by Labcorp Genetics (formerly Invitae), Labcorp).

NM_138694.4(PKHD1):c.6840G>A (p.Trp2280Ter)

Gene: PKHD1 (PKHD1 ciliary IPT domain containing fibrocystin/polyductin; minus strand). Cytogenetic location: 6p12.2.
Variant type: single nucleotide variant.
Coding change: c.6840G>A on transcript NM_138694.4 (MANE Select); coding-DNA position 6840, G replaced by A.
Protein change: p.Trp2280Ter; replaces tryptophan 2280 with a stop codon.
Molecular consequence: nonsense.
Genome position (GRCh38, 1-based): chr6:51,904,011, C>T on the plus strand (G>A on the coding strand, the complement: PKHD1 is on the minus strand). VCF-style: chr6-51904011-C-T. GRCh37 (hg19) VCF-style: chr6-51768809-C-T.
Other names: c.6840G>A, p.Trp2280Ter (NM_170724.3); short protein forms W2280*.
Identifiers: ClinVar variation 939818 (VCV000939818.21), dbSNP rs1583295819, ClinGen allele CA364430562.